The following is an entry in ClinVar:

NM_000515.5(GH1):c.172-21_172-8del

Genes: GH-LCR (growth hormone locus control region; plus strand), GH1 (growth hormone 1; minus strand). Cytogenetic location: 17q23.3.
Variant type: Deletion.
Coding change: c.172-21_172-8del on transcript NM_000515.5 (MANE Select); 21 bases into the intron before coding-DNA position 172 through 8 bases into the intron before coding-DNA position 172, 14 bases deleted (GGTGGGCGGTCCTT).
Molecular consequence: intron variant.
Genome position (GRCh38, 1-based): chr17:63,918,144-63,918,157, AAGGACCGCCCACC deleted on the plus strand (GGTGGGCGGTCCTT on the coding strand, the reverse complement: GH1 is on the minus strand); deleting any 14 consecutive bases within chr17:63,918,144-63,918,161 gives the same sequence; the c. name uses the placement nearest the transcript's 3' end. VCF-style (leftmost placement, unchanged base first): chr17-63918143-GAAGGACCGCCCACC-G. GRCh37 (hg19) VCF-style: chr17-61995503-GAAGGACCGCCCACC-G.
Other names: c.171+189_171+202del (NM_022560.4); c.172-66_172-53del (NM_022559.4).
Identifiers: ClinVar variation 3654883 (VCV003654883.3).

ClinVar aggregate classification (germline): Uncertain significance. Review status: criteria provided, multiple submitters, no conflicts (2 of 4 stars). 2 submissions from 2 submitters: Uncertain significance (2). Last evaluated 2024-10-11.

Submissions (2):

GeneDx
Classification: Uncertain significance. Last evaluated: 2024-10-11. Review status: criteria provided, single submitter. Criteria: GeneDx Variant Classification Process June 2021. Collection method: clinical testing. Allele origin: germline. Affected: yes.
Comment: Not observed at significant frequency in large population cohorts (gnomAD); Has not been previously published as pathogenic or benign to our knowledge; In silico analysis is inconclusive as to whether the variant alters gene splicing. In the absence of RNA/functional studies, the actual effect of this sequence change is unknown.

Labcorp Genetics (formerly Invitae), Labcorp
Classification: Uncertain significance. Last evaluated: 2024-05-28. Review status: criteria provided, single submitter. Criteria: Invitae Variant Classification Sherloc (09022015). Collection method: clinical testing. Allele origin: germline.
Comment: This sequence change falls in intron 2 of the GH1 gene. It does not directly change the encoded amino acid sequence of the GH1 protein. This variant is not present in population databases (gnomAD no frequency). This variant has not been reported in the literature in individuals affected with GH1-related conditions. Experimental studies and prediction algorithms are not available or were not evaluated, and the effect of this variant on mRNA splicing is currently unknown. In summary, the available evidence is currently insufficient to determine the role of this variant in disease. Therefore, it has been classified as a Variant of Uncertain Significance.